The following is an entry in ClinVar:

NM_000342.4(SLC4A1):c.1522G>A (p.Glu508Lys)

Gene: SLC4A1 (solute carrier family 4 member 1 (Diego blood group); minus strand). Cytogenetic location: 17q21.31.
Variant type: single nucleotide variant.
Coding change: c.1522G>A on transcript NM_000342.4 (MANE Select); coding-DNA position 1522, G replaced by A.
Protein change: p.Glu508Lys; replaces glutamic acid 508 with lysine.
Molecular consequence: missense variant.
Genome position (GRCh38, 1-based): chr17:44,257,454, C>T on the plus strand (G>A on the coding strand, the complement: SLC4A1 is on the minus strand). VCF-style: chr17-44257454-C-T. GRCh37 (hg19) VCF-style: chr17-42334822-C-T.
Other names: short protein forms E508K.
Identifiers: ClinVar variation 711657 (VCV000711657.21), dbSNP rs45568837, ClinGen allele CA8600244.

ClinVar aggregate classification (germline): Conflicting classifications of pathogenicity. Review status: criteria provided, conflicting classifications (1 of 4 stars). 4 submissions from 4 submitters: Uncertain significance (2); Likely benign (2). Last evaluated 2026-01-09.

Allele frequency attached by ClinVar (database versions not stated): gnomAD exomes 0.00033; ExAC 0.00046; TOPMed 0.00116; gnomAD 0.00129 and 0.00136; ESP Exome Variant Server 0.00138; 1000 Genomes Project 0.00200; 1000 Genomes Project 30x 0.00203.

Submissions (4):

Labcorp Genetics (formerly Invitae), Labcorp
Classification: Likely benign. Last evaluated: 2026-01-09. Review status: criteria provided, single submitter. Criteria: Invitae Variant Classification Sherloc (09022015). Collection method: clinical testing. Allele origin: germline.

Mayo Clinic Laboratories, Mayo Clinic
Classification: Uncertain significance. Last evaluated: 2025-07-23. Review status: criteria provided, single submitter. Criteria: ACMG Guidelines, 2015. Collection method: clinical testing. Allele origin: germline. Observed: 8 variant alleles.
Comment: PP3

GeneDx
Classification: Uncertain significance. Last evaluated: 2024-12-03. Review status: criteria provided, single submitter. Criteria: GeneDx Variant Classification Process June 2021. Collection method: clinical testing. Allele origin: germline. Affected: yes.
Comment: Reported in a patient with primary distal renal tubular acidosis and inherited from an unaffected parent (PMID: 29437164); other variant(s) also identified; Observed in a newborn with acute kernicterus (PMID: 23878048); In silico analysis supports that this missense variant has a deleterious effect on protein structure/function; This variant is associated with the following publications: (PMID: 31949730, 34426522, 27292444, 23878048, 29437164)

ARUP Laboratories, Molecular Genetics and Genomics, ARUP Laboratories
Classification: Likely benign. Last evaluated: 2023-12-07. Review status: criteria provided, single submitter. Criteria: ARUP Molecular Germline Variant Investigation Process 2024. Collection method: clinical testing. Allele origin: germline.